The following is an entry in ClinVar:

NM_000277.3(PAH):c.560G>A (p.Trp187Ter)

Gene: PAH (phenylalanine hydroxylase; minus strand). Cytogenetic location: 12q23.2.
Variant type: single nucleotide variant.
Coding change: c.560G>A on transcript NM_000277.3 (MANE Select); coding-DNA position 560, G replaced by A.
Protein change: p.Trp187Ter; replaces tryptophan 187 with a stop codon.
Molecular consequence: nonsense.
Genome position (GRCh38, 1-based): chr12:102,855,282, C>T on the plus strand (G>A on the coding strand, the complement: PAH is on the minus strand). VCF-style: chr12-102855282-C-T. GRCh37 (hg19) VCF-style: chr12-103249060-C-T.
Other names: NM_001354304.2:c.560G>A; c.560G>A, p.Trp187Ter (NM_001354304.2); short protein forms W187*.
Identifiers: ClinVar variation 3393462 (VCV003393462.1).

ClinVar aggregate classification (germline): Pathogenic (3 of 4 stars; one submission).

Conditions:
Phenylketonuria (PKU). Also called: FOLLING DISEASE; OLIGOPHRENIA PHENYLPYRUVICA; Phenylketonurias; Phenylketonuria (PKU). Identifiers: Orphanet 716, MedGen C0031485, MONDO:0009861, OMIM 261600. Disease mechanism: loss of function.

Submission:

ClinGen PAH Variant Curation Expert Panel
Classification: Pathogenic for Phenylketonuria. Last evaluated: 2024-02-23. Review status: reviewed by expert panel. Criteria: ClinGen PAH ACMG Specifications v1. Collection method: curation. Allele origin: germline. Inheritance: Autosomal recessive inheritance.
Comment: The c.560G>A (p.Trp187Ter) variant in PAH is a nonsense variant in exon 6 of 13 predicted to lead to nonsense mediated decay in a gene in which loss-of-function is an established disease mechanism (PVS1). So we are not applying PM3 evidence. This variant is absent from gnomAD. In summary, this variant meets the criteria to be classified as pathogenic for PAH deficiency based on the ACMG/AMP criteria applied, as specified by the ClinGen PAH VCEP: PVS1, PM2_supporting, PP4_moderate.